The following is an entry in ClinVar:

ClinVar aggregate classification (germline): Likely benign. Review status: criteria provided, single submitter (1 of 4 stars). 2 submissions from 2 submitters: Likely benign (1). 1 of the submissions does not count toward it. Last evaluated 2022-07-01.

Conditions:
SETD2-related disorder.

Allele frequency attached by ClinVar (database versions not stated): gnomAD 0.00002; gnomAD exomes 0.00002; TOPMed 0.00002.
gnomAD v4.1: 33 of 1,614,018 alleles (0.002%); highest among the groups gnomAD compares: Non-Finnish European, 0.0027%; no homozygotes.

Submissions (2):

CeGaT Center for Human Genetics Tuebingen
Classification: Likely benign. Last evaluated: 2022-07-01. Review status: criteria provided, single submitter. Criteria: CeGaT Center For Human Genetics Tuebingen Variant Classification Criteria Version 2. Collection method: clinical testing. Allele origin: germline. Affected: yes. Observed: 1 variant allele.
Comment: SETD2: BP4, BP7

PreventionGenetics, part of Exact Sciences
Classification: Likely benign for SETD2-related condition. Last evaluated: 2021-06-30. Review status: no assertion criteria provided. Collection method: clinical testing. Allele origin: germline. Not counted in ClinVar's aggregate classification.
Comment: This variant is classified as likely benign based on ACMG/AMP sequence variant interpretation guidelines (Richards et al. 2015 PMID: 25741868, with internal and published modifications).

NM_014159.7(SETD2):c.2871A>G (p.Lys957=)

Gene: SETD2 (SET domain containing 2, histone lysine methyltransferase; minus strand). Cytogenetic location: 3p21.31.
Variant type: single nucleotide variant.
Coding change: c.2871A>G on transcript NM_014159.7 (MANE Select); coding-DNA position 2871, A replaced by G.
Protein change: p.Lys957=; no amino-acid change (lysine 957 retained).
Molecular consequence: synonymous variant. On other transcripts: non-coding transcript variant (1).
Genome position (GRCh38, 1-based): chr3:47,121,765, T>C on the plus strand (A>G on the coding strand, the complement: SETD2 is on the minus strand). VCF-style: chr3-47121765-T-C. GRCh37 (hg19) VCF-style: chr3-47163255-T-C.
Other names: c.2739A>G, p.Lys913= (NM_001349370.3).
Identifiers: ClinVar variation 2653748 (VCV002653748.25), dbSNP rs1037005354, ClinGen allele CA73809708.